The following is an entry in ClinVar:

NM_207122.2(EXT2):c.940-2A>G

Gene: EXT2 (exostosin glycosyltransferase 2; plus strand). Cytogenetic location: 11p11.2.
Variant type: single nucleotide variant.
Coding change: c.940-2A>G on transcript NM_207122.2 (MANE Select); the canonical splice acceptor site of the intron before coding-DNA position 940, A replaced by G.
Molecular consequence: splice acceptor variant.
Genome position (GRCh38, 1-based): chr11:44,126,814, A>G. VCF-style: chr11-44126814-A-G. GRCh37 (hg19) VCF-style: chr11-44148364-A-G.
Other names: c.940-2A>G (NM_001389630.1, NM_001178083.3, NM_001389628.1); c.1039-2A>G (NM_000401.3).
Identifiers: ClinVar variation 947510 (VCV000947510.10), dbSNP rs1954411419, ClinGen allele CA380168772.
Genomic context (GRCh38, chr11:44,126,814, plus strand): 5'-GATCAAAGTTAGTGGATCAGCAAAACTAGTTTGTAATCTCTTGCCTCTTTGTGTTCCTGC[A>G]GGAGGCTACTTTCTGTGTGGTTCTTCGTGGAGCTCGGCTGGGCCAGGCAGTATTGAGCGA-3'

ClinVar aggregate classification (germline): Pathogenic (1 of 4 stars; one submission).

Conditions:
Exostoses, multiple, type 2 (EXT2). Also called: Hereditary Multiple Osteochondromatosis, Type II; EXOSTOSES, MULTIPLE, TYPE II. Identifiers: Orphanet 321, MedGen C1851413, MONDO:0007586, OMIM 133701.

Submission:

Labcorp Genetics (formerly Invitae), Labcorp
Classification: Pathogenic for Exostoses, multiple, type 2. Last evaluated: 2019-04-03. Review status: criteria provided, single submitter. Criteria: Invitae Variant Classification Sherloc (09022015). Collection method: clinical testing. Allele origin: germline.
Comment: This sequence change affects an acceptor splice site in intron 5 of the EXT2 gene. It is expected to disrupt RNA splicing and likely results in an absent or disrupted protein product. This variant is not present in population databases (ExAC no frequency). This variant has been observed in individuals with hereditary multiple exostoses (PMID: 25468659, 30334991). This variant is also known as c.1039-2A>G in the literature. Algorithms developed to predict the effect of sequence changes on RNA splicing suggest that this variant may disrupt the consensus splice site, but this prediction has not been confirmed by published transcriptional studies. Donor and acceptor splice site variants typically lead to a loss of protein function (PMID: 16199547), and loss-of-function variants in EXT2 are known to be pathogenic (PMID: 10679937, 19810120). For these reasons, this variant has been classified as Pathogenic.

Literature cited by the submitters: PubMed 25468659; PubMed 30334991; PubMed 16199547; PubMed 10679937; PubMed 19810120.